The following is an entry in ClinVar:

ClinVar aggregate classification (germline): Uncertain significance (1 of 4 stars; one submission).

Conditions:
Regional enteritis. Also called: Enteritis, Granulomatous. Identifiers: MedGen C0678202, MeSH D003424.
Blau syndrome (BLAUS). Also called: GRANULOMATOSIS, FAMILIAL JUVENILE SYSTEMIC; GRANULOMATOSIS, FAMILIAL, BLAU TYPE; GRANULOMATOUS INFLAMMATORY ARTHRITIS, DERMATITIS, AND UVEITIS, FAMILIAL; JABS SYNDROME; ARTHROCUTANEOUVEAL GRANULOMATOSIS. Identifiers: Orphanet 90340, MedGen C5201146, MONDO:0008523, OMIM 186580.

Allele frequency attached by ClinVar (database versions not stated): 1000 Genomes Project 0.00020; 1000 Genomes Project 30x 0.00031.
gnomAD v4.1: 35 of 1,612,266 alleles (0.0022%); highest among the groups gnomAD compares: Non-Finnish European, 0.0027%; no homozygotes.

Submission:

Labcorp Genetics (formerly Invitae), Labcorp
Classification: Uncertain significance for Regional enteritis; Blau syndrome. Last evaluated: 2025-08-19. Review status: criteria provided, single submitter. Criteria: Invitae Variant Classification Sherloc (09022015). Collection method: clinical testing. Allele origin: germline.
Comment: This sequence change replaces arginine, which is basic and polar, with glycine, which is neutral and non-polar, at codon 1019 of the NOD2 protein (p.Arg1019Gly). This variant is present in population databases (rs104895491, gnomAD 0.003%). This missense change has been observed in individual(s) with Crohn disease (PMID: 16278823). ClinVar contains an entry for this variant (Variation ID: 952371). Invitae Evidence Modeling of protein sequence and biophysical properties (such as structural, functional, and spatial information, amino acid conservation, physicochemical variation, residue mobility, and thermodynamic stability) indicates that this missense variant is not expected to disrupt NOD2 protein function with a negative predictive value of 95%. Experimental studies have shown that this missense change does not substantially affect NOD2 function (PMID: 15998797, 16804397). In summary, the available evidence is currently insufficient to determine the role of this variant in disease. Therefore, it has been classified as a Variant of Uncertain Significance.

Literature cited by the submitters: PubMed 16278823; PubMed 15998797; PubMed 16804397.

NM_001370466.1(NOD2):c.2974C>G (p.Arg992Gly)

Genes: NOD2 (nucleotide binding oligomerization domain containing 2; plus strand), CYLD-AS1 (CYLD antisense RNA 1; minus strand). Cytogenetic location: 16q12.1.
Variant type: single nucleotide variant.
Coding change: c.2974C>G on transcript NM_001370466.1 (MANE Select); coding-DNA position 2974, C replaced by G.
Protein change: p.Arg992Gly; replaces arginine 992 with glycine.
Molecular consequence: missense variant. On other transcripts: non-coding transcript variant (1).
Genome position (GRCh38, 1-based): chr16:50,731,751, C>G. VCF-style: chr16-50731751-C-G. GRCh37 (hg19) VCF-style: chr16-50765662-C-G.
Other names: c.2974C>G, p.Arg992Gly (NM_001293557.2); c.3055C>G, p.Arg1019Gly (NM_022162.3); short protein forms R992G, R1019G.
Identifiers: ClinVar variation 952371 (VCV000952371.10), dbSNP rs104895491, ClinGen allele CA8052067.
Genomic context (GRCh38, chr16:50,731,751, plus strand): 5'-AAGCCCTGCTCTAATTTTGTCCTCACTCAAACCTCTGTTCACTTGATCTGCTTTAGGCTC[C>G]GAGGGAACACTTTCTCTCTAGAGGAGGTTGACAAGCTCGGCTGCAGGGACACCAGACTCT-3'
Protein context (NP_001357395.1, residues 982-1002): RNDTILEVWL[Arg992Gly]GNTFSLEEVD